The following is an entry in ClinVar:

ClinVar aggregate classification (germline): Pathogenic (1 of 4 stars; one submission).

Conditions:
Ehlers-Danlos syndrome, kyphoscoliotic type 1 (EDSKSCL1). Also called: EHLERS-DANLOS SYNDROME, OCULAR-SCOLIOTIC TYPE; EHLERS-DANLOS SYNDROME, TYPE VIA; PLOD1-Related Kyphoscoliotic Ehlers-Danlos Syndrome; Ehlers-Danlos syndrome, hydroxylysine-deficient. Identifiers: Orphanet 1900, MedGen C0268342, MONDO:0016002, OMIM 225400. Disease mechanism: loss of function.

Submission:

Labcorp Genetics (formerly Invitae), Labcorp
Classification: Pathogenic for Ehlers-Danlos syndrome, kyphoscoliotic type 1. Last evaluated: 2023-11-28. Review status: criteria provided, single submitter. Criteria: Invitae Variant Classification Sherloc (09022015). Collection method: clinical testing. Allele origin: germline.
Comment: This sequence change creates a premature translational stop signal (p.Tyr252*) in the PLOD1 gene. It is expected to result in an absent or disrupted protein product. Loss-of-function variants in PLOD1 are known to be pathogenic (PMID: 10874315, 21699693). This variant is not present in population databases (gnomAD no frequency). This variant has not been reported in the literature in individuals affected with PLOD1-related conditions. For these reasons, this variant has been classified as Pathogenic.

Literature cited by the submitters: PubMed 10874315; PubMed 21699693.

NM_000302.4(PLOD1):c.756C>G (p.Tyr252Ter)

Gene: PLOD1 (procollagen-lysine,2-oxoglutarate 5-dioxygenase 1; plus strand). Cytogenetic location: 1p36.22.
Variant type: single nucleotide variant.
Coding change: c.756C>G on transcript NM_000302.4 (MANE Select); coding-DNA position 756, C replaced by G.
Protein change: p.Tyr252Ter; replaces tyrosine 252 with a stop codon.
Molecular consequence: nonsense.
Genome position (GRCh38, 1-based): chr1:11,957,856, C>G. VCF-style: chr1-11957856-C-G. GRCh37 (hg19) VCF-style: chr1-12017913-C-G.
Other names: c.897C>G, p.Tyr299Ter (NM_001316320.2); short protein forms Y252*, Y299*.
Identifiers: ClinVar variation 2881109 (VCV002881109.3), dbSNP rs2522831501, ClinGen allele CA338432533.